The following is an entry in ClinVar:

NM_001024630.4(RUNX2):c.652A>C (p.Lys218Gln)

Gene: RUNX2 (RUNX family transcription factor 2; plus strand). Cytogenetic location: 6p21.1.
Variant type: single nucleotide variant.
Coding change: c.652A>C on transcript NM_001024630.4 (MANE Select); coding-DNA position 652, A replaced by C.
Protein change: p.Lys218Gln; replaces lysine 218 with glutamine.
Molecular consequence: missense variant.
Genome position (GRCh38, 1-based): chr6:45,438,018, A>C. VCF-style: chr6-45438018-A-C. GRCh37 (hg19) VCF-style: chr6-45405755-A-C.
Other names: c.652A>C, p.Lys218Gln (NM_001015051.4); c.610A>C, p.Lys204Gln (NM_001278478.2, NM_001369405.1); short protein forms K204Q, K218Q.
Identifiers: ClinVar variation 3765681 (VCV003765681.1).
Genomic context (GRCh38, chr6:45,438,018, plus strand): 5'-ACCTTGACCATAACCGTCTTCACAAATCCTCCCCAAGTAGCTACCTATCACAGAGCAATT[A>C]AAGTTACAGTAGATGGACCTCGGGAACCCAGAAGTAAGTACTCCCCTTTTTATTGAAGAA-3'
Protein context (NP_001019801.3, residues 208-228): PQVATYHRAI[Lys218Gln]VTVDGPREPR

ClinVar aggregate classification (germline): Likely pathogenic (1 of 4 stars; one submission).

Conditions:
RUNX2-related disorder. Also called: RUNX2-related condition.

Submission:

Greenwood Genetic Center Diagnostic Laboratories, Greenwood Genetic Center
Classification: Likely pathogenic for RUNX2-related disorder. Last evaluated: 2024-10-01. Review status: criteria provided, single submitter. Criteria: ACMG Guidelines, 2015. Collection method: clinical testing. Allele origin: germline. Affected: yes.
Comment: PM2, PM5, PP3, PS4_Supporting